The following is an entry in ClinVar:

NM_174934.4(SCN4B):c.482C>G (p.Thr161Arg)

Gene: SCN4B (sodium voltage-gated channel beta subunit 4; minus strand). Cytogenetic location: 11q23.3.
Variant type: single nucleotide variant.
Coding change: c.482C>G on transcript NM_174934.4 (MANE Select); coding-DNA position 482, C replaced by G.
Protein change: p.Thr161Arg; replaces threonine 161 with arginine.
Molecular consequence: missense variant. On other transcripts: non-coding transcript variant (1).
Genome position (GRCh38, 1-based): chr11:118,141,318, G>C on the plus strand (C>G on the coding strand, the complement: SCN4B is on the minus strand). VCF-style: chr11-118141318-G-C. GRCh37 (hg19) VCF-style: chr11-118012033-G-C.
Other names: c.80C>G, p.Thr27Arg (NM_001142348.2); c.152C>G, p.Thr51Arg (NM_001142349.2); short protein forms T161R, T27R, T51R.
Identifiers: ClinVar variation 302646 (VCV000302646.15), dbSNP rs750329453, ClinGen allele CA6300188.
Genomic context (GRCh38, chr11:118,141,318, plus strand): 5'-AGGATGAGGATGAGGAGCCCGATGACCCCGCCCACGACAGCCAGGATGATGAGTGTCACT[G>C]TGTTGTCCACTTCTTCCACTGTGTGGCCCGAGTAGGGAGGAAAGGGAAGGCACAAAGGGA-3'
Protein context (NP_777594.1, residues 151-171): VVDRLEEVDN[Thr161Arg]VTLIILAVVG

ClinVar aggregate classification (germline): Conflicting classifications of pathogenicity. Review status: criteria provided, conflicting classifications (1 of 4 stars). 4 submissions from 4 submitters: Uncertain significance (3); Likely benign (1). Last evaluated 2025-06-27.

Conditions:
Cardiovascular phenotype. Identifiers: MedGen CN230736.
Long QT syndrome 10 (LQT10). Identifiers: Orphanet 101016, Orphanet 768, MedGen C2678484, MONDO:0012737, OMIM 611819.

Allele frequency attached by ClinVar (database versions not stated): ExAC 0.00001; gnomAD exomes 0.00001 and 0.00004; TOPMed 0.00001; gnomAD 0.00002 and 0.00003.

Submissions (4):

Labcorp Genetics (formerly Invitae), Labcorp
Classification: Uncertain significance for Long QT syndrome 10. Last evaluated: 2025-06-27. Review status: criteria provided, single submitter. Criteria: Invitae Variant Classification Sherloc (09022015). Collection method: clinical testing. Allele origin: germline.
Comment: This sequence change replaces threonine, which is neutral and polar, with arginine, which is basic and polar, at codon 161 of the SCN4B protein (p.Thr161Arg). This variant is present in population databases (rs750329453, gnomAD 0.02%). This variant has not been reported in the literature in individuals affected with SCN4B-related conditions. ClinVar contains an entry for this variant (Variation ID: 302646). An algorithm developed to predict the effect of missense changes on protein structure and function (PolyPhen-2) suggests that this variant is likely to be tolerated. In summary, the available evidence is currently insufficient to determine the role of this variant in disease. Therefore, it has been classified as a Variant of Uncertain Significance.

GeneDx
Classification: Uncertain significance. Last evaluated: 2024-10-30. Review status: criteria provided, single submitter. Criteria: GeneDx Variant Classification Process June 2021. Collection method: clinical testing. Allele origin: germline. Affected: yes.
Comment: Has not been previously published as pathogenic or benign to our knowledge; In silico analysis supports that this missense variant has a deleterious effect on protein structure/function; Variants in candidate genes are classified as variants of uncertain significance in accordance with ACMG guidelines (PMID: 25741868)

Ambry Genetics
Classification: Likely benign for Cardiovascular phenotype. Last evaluated: 2023-06-28. Review status: criteria provided, single submitter. Criteria: Ambry Variant Classification Scheme 2023. Collection method: clinical testing. Allele origin: germline.

Fulgent Genetics
Classification: Uncertain significance for Long QT syndrome 10. Last evaluated: 2021-09-09. Review status: criteria provided, single submitter. Criteria: ACMG Guidelines, 2015. Collection method: clinical testing. Allele origin: unknown.